The following is an entry in ClinVar:

NM_000051.4(ATM):c.5828A>C (p.Lys1943Thr)

Genes: ATM (ATM serine/threonine kinase; plus strand), C11orf65 (chromosome 11 open reading frame 65; minus strand). Cytogenetic location: 11q22.3.
Variant type: single nucleotide variant.
Coding change: c.5828A>C on transcript NM_000051.4 (MANE Select); coding-DNA position 5828, A replaced by C.
Protein change: p.Lys1943Thr; replaces lysine 1943 with threonine.
Molecular consequence: missense variant. On other transcripts: intron variant (2).
Genome position (GRCh38, 1-based): chr11:108,310,225, A>C. VCF-style: chr11-108310225-A-C. GRCh37 (hg19) VCF-style: chr11-108180952-A-C.
Other names: c.5828A>C, p.Lys1943Thr (NM_001351834.2); c.641-1154T>G (NM_001330368.2); c.*39-1154T>G (NM_001351110.2); short protein forms K1943T.
Identifiers: ClinVar variation 1352805 (VCV001352805.8), dbSNP rs746676271, ClinGen allele CA382548411.

ClinVar aggregate classification (germline): Uncertain significance (1 of 4 stars; one submission).

Conditions:
Ataxia-telangiectasia syndrome (AT). Also called: Ataxia-telangiectasia; LOUIS-BAR SYNDROME; Ataxia-telangiectasia, complementation group D; AT, COMPLEMENTATION GROUP C; ATAXIA-TELANGIECTASIA, COMPLEMENTATION GROUP A; ATAXIA-TELANGIECTASIA, FRESNO VARIANT. Identifiers: Orphanet 100, MedGen C0004135, MONDO:0008840, OMIM 208900.

Submission:

Labcorp Genetics (formerly Invitae), Labcorp
Classification: Uncertain significance for Ataxia-telangiectasia syndrome. Last evaluated: 2024-02-24. Review status: criteria provided, single submitter. Criteria: Invitae Variant Classification Sherloc (09022015). Collection method: clinical testing. Allele origin: germline.
Comment: This sequence change replaces lysine, which is basic and polar, with threonine, which is neutral and polar, at codon 1943 of the ATM protein (p.Lys1943Thr). This variant is not present in population databases (gnomAD no frequency). This variant has not been reported in the literature in individuals affected with ATM-related conditions. ClinVar contains an entry for this variant (Variation ID: 1352805). An algorithm developed to predict the effect of missense changes on protein structure and function (PolyPhen-2) suggests that this variant is likely to be disruptive. In summary, the available evidence is currently insufficient to determine the role of this variant in disease. Therefore, it has been classified as a Variant of Uncertain Significance.